The following is an entry in ClinVar:

ClinVar aggregate classification (germline): Uncertain significance (1 of 4 stars; one submission).

Conditions:
Autoinflammatory disease, multisystem, with immune dysregulation, X-linked (ADMIDX). Identifiers: MedGen C5829577, MONDO:0957494, OMIM 301109.

gnomAD v4.1: 4 of 1,192,998 alleles (0.00034%); highest among the groups gnomAD compares: Middle Eastern, 0.023%; no homozygotes.

Submission:

3billion
Classification: Uncertain significance for Autoinflammatory disease, multisystem, with immune dysregulation, X-linked. Last evaluated: 2025-09-02. Review status: criteria provided, single submitter. Criteria: ACMG Guidelines, 2015. Collection method: clinical testing. Allele origin: germline. Affected: yes.
Comment: The variant is observed at an extremely low frequency in the gnomAD v4.1.0 dataset (total allele frequency: <0.001%). Predicted Consequence/Location: Missense variant. Missense changes are a common disease-causing mechanism. In silico tool predictions suggest no damaging effect of the variant on gene or gene product [REVEL: 0.12 (<0.4); 3Cnet: 0.00 (<0.1, specificity 0.84 and negative predicitive value 0.97)]. The same nucleotide change resulting in the same amino acid change has been previously reported to be associated with DOCK11-related disorder (PMID: 32135276). However, the evidence of pathogenicity is insufficient at this time. Therefore, this variant is classified as VUS according to the recommendation of ACMG/AMP guideline.

Literature cited by the submitters: PubMed 32135276.

NM_144658.4(DOCK11):c.2592G>C (p.Met864Ile)

Gene: DOCK11 (dedicator of cytokinesis 11; plus strand). Cytogenetic location: Xq24.
Variant type: single nucleotide variant.
Coding change: c.2592G>C on transcript NM_144658.4 (MANE Select); coding-DNA position 2592, G replaced by C.
Protein change: p.Met864Ile; replaces methionine 864 with isoleucine.
Molecular consequence: missense variant.
Genome position (GRCh38, 1-based): chrX:118,605,267, G>C. VCF-style: chrX-118605267-G-C. GRCh37 (hg19) VCF-style: chrX-117739230-G-C.
Other names: short protein forms M864I.
Identifiers: ClinVar variation 4855546 (VCV004855546.1).